The following is an entry in ClinVar:

ClinVar aggregate classification (germline): Uncertain significance (1 of 4 stars; one submission).

Allele frequency attached by ClinVar (database versions not stated): TOPMed 0.00050; 1000 Genomes Project 30x 0.00078; gnomAD 0.00025; 1000 Genomes Project 0.00060.

Submission:

Ambry Genetics
Classification: Uncertain significance. Last evaluated: 2026-09-02. Review status: criteria provided, single submitter. Criteria: Ambry Variant Classification Scheme 2023. Collection method: clinical testing. Allele origin: germline.
Comment: The c.1609C>T (p.R537C) alteration is located in exon 14 (coding exon 13) of the MYOM2 gene. This alteration results from a C to T substitution at nucleotide position 1609, causing the arginine (R) at amino acid position 537 to be replaced by a cysteine (C). Based on data from gnomAD, the T allele has an overall frequency of 0.01% (27/282614) total alleles studied. The highest observed frequency was 0.055% (4/7216) of Other alleles. Based on insufficient or conflicting evidence, the clinical significance of this alteration remains unclear.

NM_003970.4(MYOM2):c.1609C>T (p.Arg537Cys)

Gene: MYOM2 (myomesin 2; plus strand). Cytogenetic location: 8p23.3.
Variant type: single nucleotide variant.
Coding change: c.1609C>T on transcript NM_003970.4 (MANE Select); coding-DNA position 1609, C replaced by T.
Protein change: p.Arg537Cys; replaces arginine 537 with cysteine.
Molecular consequence: missense variant.
Genome position (GRCh38, 1-based): chr8:2,085,355, C>T. VCF-style: chr8-2085355-C-T. GRCh37 (hg19) VCF-style: chr8-2033487-C-T.
Other names: short protein forms R537C.
Identifiers: ClinVar variation 3168358 (VCV003168358.2), dbSNP rs192237488, ClinGen allele CA170452995.
Genomic context (GRCh38, chr8:2,085,355, plus strand): 5'-GTGCACGCTTCCGAGATCAGCAGAAACTATGTCGTCCTCAGCTGGGAGCCACCCACTCCC[C>T]GTGGCAAGGACCCGCTCATGTACTTCATTGAGAAGGTAAACTCCGGGCCCGTGTCCTGGA-3'
Protein context (NP_003961.3, residues 527-547): VVLSWEPPTP[Arg537Cys]GKDPLMYFIE